The following is an entry in ClinVar:

ClinVar aggregate classification (germline): Likely benign (0 of 4 stars; one submission).

Conditions:
MYOM2-related disorder. Also called: MYOM2-related condition.

Allele frequency attached by ClinVar (database versions not stated): 1000 Genomes Project 30x 0.00016; gnomAD 0.00017; 1000 Genomes Project 0.00020; TOPMed 0.00037; ExAC 0.00056.
gnomAD v4.1: 252 of 1,612,194 alleles (0.016%); highest among the groups gnomAD compares: Admixed American, 0.42%; 2 homozygotes.

Submission:

PreventionGenetics, part of Exact Sciences
Classification: Likely benign for MYOM2-related condition. Last evaluated: 2019-07-26. Review status: no assertion criteria provided. Collection method: clinical testing. Allele origin: germline.
Comment: This variant is classified as likely benign based on ACMG/AMP sequence variant interpretation guidelines (Richards et al. 2015 PMID: 25741868, with internal and published modifications).

NM_003970.4(MYOM2):c.4081-10C>G

Gene: MYOM2 (myomesin 2; plus strand). Cytogenetic location: 8p23.3.
Variant type: single nucleotide variant.
Coding change: c.4081-10C>G on transcript NM_003970.4 (MANE Select); 10 bases into the intron before coding-DNA position 4081, C replaced by G.
Molecular consequence: intron variant.
Genome position (GRCh38, 1-based): chr8:2,144,654, C>G. VCF-style: chr8-2144654-C-G. GRCh37 (hg19) VCF-style: chr8-2092578-C-G.
Identifiers: ClinVar variation 3035221 (VCV003035221.2), dbSNP rs200851248, ClinGen allele CA170467209.